The following is an entry in ClinVar:

NM_001184.4(ATR):c.5204A>G (p.His1735Arg)

Gene: ATR (ATR checkpoint kinase; minus strand). Cytogenetic location: 3q23.
Variant type: single nucleotide variant.
Coding change: c.5204A>G on transcript NM_001184.4 (MANE Select); coding-DNA position 5204, A replaced by G.
Protein change: p.His1735Arg; replaces histidine 1735 with arginine.
Molecular consequence: missense variant.
Genome position (GRCh38, 1-based): chr3:142,503,446, T>C on the plus strand (A>G on the coding strand, the complement: ATR is on the minus strand). VCF-style: chr3-142503446-T-C. GRCh37 (hg19) VCF-style: chr3-142222288-T-C.
Other names: c.5204A>G (NM_001184.3); c.5012A>G, p.His1671Arg (NM_001354579.2); short protein forms H1671R, H1735R.
Identifiers: ClinVar variation 2911937 (VCV002911937.4), dbSNP rs2473182843, ClinGen allele CA354818602.
Genomic context (GRCh38, chr3:142,503,446, plus strand): 5'-TGAGTGATAACAGTAGACAGCTGACCAAGACCTAACATGGACTTTACTACACCATGATAA[T>C]GAATGATCTAGAAATTTAAAAATATTTAAAATAGCAATTATCACTTCAATAATAGCTTGG-3'
Protein context (NP_001175.2, residues 1725-1745): AIQLEPDQII[His1735Arg]YHGVVKSMLG

ClinVar aggregate classification (germline): Uncertain significance. Review status: criteria provided, multiple submitters, no conflicts (2 of 4 stars). 2 submissions from 2 submitters: Uncertain significance (2). Last evaluated 2024-01-13.

Conditions:
Inborn genetic diseases. Identifiers: MedGen C0950123, MeSH D030342.

Submissions (2):

Labcorp Genetics (formerly Invitae), Labcorp
Classification: Uncertain significance. Last evaluated: 2024-01-13. Review status: criteria provided, single submitter. Criteria: Invitae Variant Classification Sherloc (09022015). Collection method: clinical testing. Allele origin: germline.
Comment: This sequence change replaces histidine, which is basic and polar, with arginine, which is basic and polar, at codon 1735 of the ATR protein (p.His1735Arg). This variant is not present in population databases (gnomAD no frequency). This variant has not been reported in the literature in individuals affected with ATR-related conditions. An algorithm developed to predict the effect of missense changes on protein structure and function (PolyPhen-2) suggests that this variant is likely to be disruptive. In summary, the available evidence is currently insufficient to determine the role of this variant in disease. Therefore, it has been classified as a Variant of Uncertain Significance.

Ambry Genetics
Classification: Uncertain significance for Inborn genetic diseases. Last evaluated: 2023-11-16. Review status: criteria provided, single submitter. Criteria: Ambry Variant Classification Scheme 2023. Collection method: clinical testing. Allele origin: germline.
Comment: The p.H1735R variant (also known as c.5204A>G), located in coding exon 30 of the ATR gene, results from an A to G substitution at nucleotide position 5204. The histidine at codon 1735 is replaced by arginine, an amino acid with highly similar properties. This amino acid position is conserved. In addition, the in silico prediction for this alteration is inconclusive. Since supporting evidence is limited at this time, the clinical significance of this alteration remains unclear.